The following is an entry in ClinVar:

NM_001042492.3(NF1):c.825C>G (p.Ile275Met)

Gene: NF1 (neurofibromin 1; plus strand). Cytogenetic location: 17q11.2.
Variant type: single nucleotide variant.
Coding change: c.825C>G on transcript NM_001042492.3 (MANE Select); coding-DNA position 825, C replaced by G.
Protein change: p.Ile275Met; replaces isoleucine 275 with methionine.
Molecular consequence: missense variant.
Genome position (GRCh38, 1-based): chr17:31,182,602, C>G. VCF-style: chr17-31182602-C-G. GRCh37 (hg19) VCF-style: chr17-29509620-C-G.
Other names: c.825C>G, p.Ile275Met (NM_000267.4, NM_001128147.3); short protein forms I275M.
Identifiers: ClinVar variation 2709222 (VCV002709222.3), dbSNP rs1597659985, ClinGen allele CA398991006.

ClinVar aggregate classification (germline): Uncertain significance (1 of 4 stars; one submission).

Conditions:
Neurofibromatosis, type 1 (NF1). Also called: Peripheral type neurofibromatosis; VON RECKLINGHAUSEN DISEASE; NEUROFIBROMATOSIS, TYPE I, SOMATIC; Neurofibromatosis, type I. Identifiers: Orphanet 636, MedGen C0027831, MONDO:0018975, OMIM 162200. Disease mechanism: loss of function.

Submission:

Labcorp Genetics (formerly Invitae), Labcorp
Classification: Uncertain significance for Neurofibromatosis, type 1. Last evaluated: 2024-04-22. Review status: criteria provided, single submitter. Criteria: Invitae Variant Classification Sherloc (09022015). Collection method: clinical testing. Allele origin: germline.
Comment: This sequence change replaces isoleucine, which is neutral and non-polar, with methionine, which is neutral and non-polar, at codon 275 of the NF1 protein (p.Ile275Met). This variant is not present in population databases (gnomAD no frequency). This variant has not been reported in the literature in individuals affected with NF1-related conditions. Advanced modeling of protein sequence and biophysical properties (such as structural, functional, and spatial information, amino acid conservation, physicochemical variation, residue mobility, and thermodynamic stability) has been performed at Invitae for this missense variant, however the output from this modeling did not meet the statistical confidence thresholds required to predict the impact of this variant on NF1 protein function. In summary, the available evidence is currently insufficient to determine the role of this variant in disease. Therefore, it has been classified as a Variant of Uncertain Significance.